The following is an entry in ClinVar:

NM_006279.5(ST3GAL3):c.303G>T (p.Arg101=)

Gene: ST3GAL3 (ST3 beta-galactoside alpha-2,3-sialyltransferase 3; plus strand). Cytogenetic location: 1p34.1.
Variant type: single nucleotide variant.
Coding change: c.303G>T on transcript NM_006279.5 (MANE Select); coding-DNA position 303, G replaced by T.
Protein change: p.Arg101=; no amino-acid change (arginine 101 retained).
Molecular consequence: synonymous variant. On other transcripts: missense variant (1), non-coding transcript variant (8), intron variant (1).
Genome position (GRCh38, 1-based): chr1:43,894,383, G>T. VCF-style: chr1-43894383-G-T. GRCh37 (hg19) VCF-style: chr1-44360055-G-T.
Other names: c.303G>T, p.Arg101= (NM_001270459.2, NM_001350620.2, NM_174966.4 and 1 more transcripts); c.210G>T, p.Leu70= (NM_001270460.2); c.255G>T, p.Arg85= (NM_001270461.3, NM_001270464.3, NM_174969.4 and 1 more transcripts); c.162G>T, p.Leu54= (NM_001270462.3); c.300G>T, p.Arg100= (NM_001270463.3, NM_001270465.3); c.348G>T, p.Arg116= (NM_001350619.2, NM_174964.4, NM_174965.4); c.24G>T, p.Arg8Ser (NM_001350621.2); c.465G>T, p.Arg155= (NM_001363573.2, NM_174968.5); and 3 more; short protein forms R8S.
Identifiers: ClinVar variation 198194 (VCV000198194.18), dbSNP rs200957732, ClinGen allele CA246719.

ClinVar aggregate classification (germline): Uncertain significance. Review status: criteria provided, multiple submitters, no conflicts (2 of 4 stars). 4 submissions from 4 submitters: Uncertain significance (4). Last evaluated 2026-02-14.

Conditions:
Inborn genetic diseases. Identifiers: MedGen C0950123, MeSH D030342.
Developmental and epileptic encephalopathy. Identifiers: MedGen C5779964, MONDO:0100620.

Allele frequency attached by ClinVar (database versions not stated): ExAC 0.00001; gnomAD exomes 0.00001 and 0.00002; gnomAD 0.00009; TOPMed 0.00014.
gnomAD v4.1: 31 of 1,613,972 alleles (0.0019%); highest among the groups gnomAD compares: African/African-American, 0.027%; no homozygotes.

Submissions (4):

GeneDx
Classification: Uncertain significance. Last evaluated: 2026-02-14. Review status: criteria provided, single submitter. Criteria: GeneDx Variant Classification Process June 2021. Collection method: clinical testing. Allele origin: germline.
Comment: In silico analysis supports a deleterious effect on splicing; Has not been previously published as pathogenic or benign to our knowledge

Labcorp Genetics (formerly Invitae), Labcorp
Classification: Uncertain significance for Early-infantile DEE. Last evaluated: 2025-02-03. Review status: criteria provided, single submitter. Criteria: Invitae Variant Classification Sherloc (09022015). Collection method: clinical testing. Allele origin: germline.
Comment: This sequence change affects codon 101 of the ST3GAL3 mRNA. It is a 'silent' change, meaning that it does not change the encoded amino acid sequence of the ST3GAL3 protein. It affects a nucleotide within the consensus splice site. This variant is present in population databases (rs200957732, gnomAD 0.02%). This variant has not been reported in the literature in individuals affected with ST3GAL3-related conditions. ClinVar contains an entry for this variant (Variation ID: 198194). Algorithms developed to predict the effect of sequence changes on RNA splicing suggest that this variant may disrupt the consensus splice site. In summary, the available evidence is currently insufficient to determine the role of this variant in disease. Therefore, it has been classified as a Variant of Uncertain Significance.

Ambry Genetics
Classification: Uncertain significance for Inborn genetic diseases. Last evaluated: 2024-05-08. Review status: criteria provided, single submitter. Criteria: Ambry Variant Classification Scheme 2023. Collection method: clinical testing. Allele origin: germline.
Comment: Occurs in the first base pair of the exon Based on insufficient or conflicting evidence, the clinical significance of this alteration remains unclear.

Eurofins Ntd Llc (ga)
Classification: Uncertain significance. Last evaluated: 2015-11-18. Review status: criteria provided, single submitter. Criteria: EGL Classification Definitions 2015. Collection method: clinical testing. Allele origin: germline. Observed: 2 variant alleles, 2 heterozygotes.